The following is an entry in ClinVar:

NM_000465.4(BARD1):c.1482T>G (p.Asn494Lys)

Gene: BARD1 (BRCA1 associated RING domain 1; minus strand). Cytogenetic location: 2q35.
Variant type: single nucleotide variant.
Coding change: c.1482T>G on transcript NM_000465.4 (MANE Select); coding-DNA position 1482, T replaced by G.
Protein change: p.Asn494Lys; replaces asparagine 494 with lysine.
Molecular consequence: missense variant. On other transcripts: non-coding transcript variant (3), intron variant (3).
Genome position (GRCh38, 1-based): chr2:214,767,568, A>C on the plus strand (T>G on the coding strand, the complement: BARD1 is on the minus strand). VCF-style: chr2-214767568-A-C. GRCh37 (hg19) VCF-style: chr2-215632292-A-C.
Other names: c.1425T>G, p.Asn475Lys (NM_001282543.2); c.159-15013T>G (NM_001282548.2); c.216-15013T>G (NM_001282545.2); c.364+24729T>G (NM_001282549.2); short protein forms N494K, N475K.
Identifiers: ClinVar variation 1773610 (VCV001773610.2), dbSNP rs2469443569, ClinGen allele CA350448424.

ClinVar aggregate classification (germline): Uncertain significance (1 of 4 stars; one submission).

Conditions:
Hereditary cancer-predisposing syndrome. Also called: Hereditary Cancer Syndrome; Hereditary neoplastic syndrome; Neoplastic Syndromes, Hereditary; Tumor predisposition. Identifiers: Orphanet 140162, MedGen C0027672, MeSH D009386, MONDO:0015356.

Submission:

Ambry Genetics
Classification: Uncertain significance for Hereditary cancer-predisposing syndrome. Last evaluated: 2021-12-20. Review status: criteria provided, single submitter. Criteria: Ambry Variant Classification Scheme 2023. Collection method: clinical testing. Allele origin: germline.
Comment: The p.N494K variant (also known as c.1482T>G), located in coding exon 6 of the BARD1 gene, results from a T to G substitution at nucleotide position 1482. The asparagine at codon 494 is replaced by lysine, an amino acid with similar properties. This amino acid position is conserved. In addition, this alteration is predicted to be tolerated by in silico analysis. Since supporting evidence is limited at this time, the clinical significance of this alteration remains unclear.